The following is an entry in ClinVar:

ClinVar aggregate classification (germline): Conflicting classifications of pathogenicity. Review status: criteria provided, conflicting classifications (1 of 4 stars). 8 submissions from 8 submitters: Pathogenic (5); Likely pathogenic (2); Uncertain significance (1). Last evaluated 2025-08-25.

Conditions:
Wilson disease (WND). Also called: Wilson's disease. Identifiers: Orphanet 905, MedGen C0019202, MONDO:0010200, OMIM 277900. Disease mechanism: loss of function.

Allele frequency attached by ClinVar (database versions not stated): gnomAD exomes below 0.00001; TOPMed below 0.00001.
gnomAD v4.1: 1 of 1,613,488 alleles (0.000062%); highest among the groups gnomAD compares: East Asian, 0.0022%; no homozygotes.

Submissions (8):

Natera, Inc.
Classification: Pathogenic for Wilson disease. Last evaluated: 2025-08-25. Review status: criteria provided, single submitter. Criteria: Natera Variant Classification Schema (03/2026). Collection method: clinical testing. Allele origin: germline.
Comment: The c.4112T>C variant in ATP7B is a missense variant predicted to cause substitution of leucine to proline at amino acid 1371. This variant is rare in the general population with a frequency below the threshold expected for the associated phenotype(s). This variant has been observed in one or more individuals affected with the associated recessive disease, as either homozygous or compound heterozygous with a second variant (PMID: 31796634, 21034864, 37020998, 39178787). Computational prediction algorithms indicate this variant is likely to affect gene or protein function. Given the available evidence, this variant is classified as Pathogenic.

Labcorp Genetics (formerly Invitae), Labcorp
Classification: Pathogenic for Wilson disease. Last evaluated: 2025-07-17. Review status: criteria provided, single submitter. Criteria: Invitae Variant Classification Sherloc (09022015). Collection method: clinical testing. Allele origin: germline.
Comment: This sequence change replaces leucine, which is neutral and non-polar, with proline, which is neutral and non-polar, at codon 1371 of the ATP7B protein (p.Leu1371Pro). This variant is not present in population databases (gnomAD no frequency). This missense change has been observed in individuals with Wilson disease (PMID: 21034864, 23235335, 27022412, 29321352, 34324271, 34470610, 35220961). ClinVar contains an entry for this variant (Variation ID: 928973). Invitae Evidence Modeling of protein sequence and biophysical properties (such as structural, functional, and spatial information, amino acid conservation, physicochemical variation, residue mobility, and thermodynamic stability) indicates that this missense variant is expected to disrupt ATP7B protein function with a positive predictive value of 80%. For these reasons, this variant has been classified as Pathogenic.

Fulgent Genetics
Classification: Likely pathogenic for Wilson disease. Last evaluated: 2024-06-09. Review status: criteria provided, single submitter. Criteria: ACMG Guidelines, 2015. Collection method: clinical testing. Allele origin: germline.

Baylor Genetics
Classification: Likely pathogenic for Wilson disease. Last evaluated: 2024-02-12. Review status: criteria provided, single submitter. Criteria: ACMG Guidelines, 2015. Collection method: clinical testing. Allele origin: unknown.

Chongqing Key Laboratory of Child Rare Diseases in Infection and Immunity, Children’s Hospital of Chongqing Medical University
Classification: Uncertain significance for Wilson disease. Last evaluated: 2024-01-01. Review status: criteria provided, single submitter. Criteria: ACMG Guidelines, 2015. Collection method: clinical testing. Allele origin: germline. Inheritance: Autosomal recessive inheritance. Affected: yes.
Comment: Classified as Uncertain significance according to the ACMG/AMP 2015 guidelines (PMID:25741868). The classification was based on the available submitted evidence for Wilson disease (OMIM:277900), including clinical-testing observations, variant consequence/protein annotation, and published or ClinVar evidence where available. Supporting information considered: variant annotation: p.Leu1371Pro; Missense; Protein domain: C-ter tail; submitted notation: NM_000053.4:c.4112T>C (p.Leu1371Pro); source variant type: Missense; source domain: C-ter tail; allele count n=230: 1.

Genome-Nilou Lab
Classification: Pathogenic for Wilson disease. Last evaluated: 2021-08-10. Review status: criteria provided, single submitter. Criteria: ACMG Guidelines, 2015. Collection method: clinical testing. Allele origin: germline. Affected: no.

Women's Health and Genetics/Laboratory Corporation of America, LabCorp
Classification: Pathogenic for Wilson disease. Last evaluated: 2019-08-23. Review status: criteria provided, single submitter. Criteria: LabCorp Variant Classification Summary - May 2015. Collection method: clinical testing. Allele origin: germline.
Comment: Variant summary: ATP7B c.4112T>C (p.Leu1371Pro) results in a non-conservative amino acid change located in the TM8 (Transmembrane 8) domain (Chang_2017) of the encoded protein sequence. Five of five in-silico tools predict a damaging effect of the variant on protein function. The variant was absent in 248110 control chromosomes (gnomAD and publications). c.4112T>C has been reported in the literature in multiple individuals (compound heterozygous and heterozygous) affected with Wilson Disease (e.g. Cheng _2017, Li_2019, Panichareon_2011), particularly of Asian origin. These data indicate that the variant is very likely to be associated with disease. To our knowledge, no experimental evidence demonstrating an impact on protein function has been reported. No submitters have provided clinical-significance assessments for this variant to ClinVar after 2014. Based on the evidence outlined above, the variant was classified as pathogenic.

Juno Genomics, Hangzhou Juno Genomics, Inc
Classification: Pathogenic for Wilson disease. Review status: criteria provided, single submitter. Criteria: ACMG Guidelines, 2015. Collection method: clinical testing. Allele origin: germline.
Comment: Absent from controls (or at extremely low frequency if recessive) in Genome Aggregation Database.;Multiple lines of computational evidence support a deleterious effect on the gene or gene product.;For recessive disorders, detected in trans with a pathogenic variant.;Patient's phenotype or family history is highly specific for a disease with a single genetic etiology.

Literature cited by the submitters: PubMed 31796634 (cited by Natera, Inc.); PubMed 21034864 (cited by 3 submitters); PubMed 37020998 (cited by Natera, Inc.); PubMed 39178787 (cited by Natera, Inc.); PubMed 23235335 (cited by Labcorp Genetics (formerly Invitae), Labcorp); PubMed 27022412 (cited by Labcorp Genetics (formerly Invitae), Labcorp and Women's Health and Genetics/Laboratory Corporation of America, LabCorp); PubMed 29321352 (cited by Labcorp Genetics (formerly Invitae), Labcorp); PubMed 34324271 (cited by Labcorp Genetics (formerly Invitae), Labcorp); PubMed 34470610 (cited by Labcorp Genetics (formerly Invitae), Labcorp); PubMed 35220961 (cited by Labcorp Genetics (formerly Invitae), Labcorp); PubMed 22692182 (cited by Women's Health and Genetics/Laboratory Corporation of America, LabCorp); PubMed 27982432 (cited by Women's Health and Genetics/Laboratory Corporation of America, LabCorp); PubMed 28433102 (cited by Women's Health and Genetics/Laboratory Corporation of America, LabCorp); PubMed 31172689 (cited by Women's Health and Genetics/Laboratory Corporation of America, LabCorp).

NM_000053.4(ATP7B):c.4112T>C (p.Leu1371Pro)

Gene: ATP7B (ATPase copper transporting beta; minus strand). Cytogenetic location: 13q14.3.
Variant type: single nucleotide variant.
Coding change: c.4112T>C on transcript NM_000053.4 (MANE Select); coding-DNA position 4112, T replaced by C.
Protein change: p.Leu1371Pro; replaces leucine 1371 with proline.
Molecular consequence: missense variant.
Genome position (GRCh38, 1-based): chr13:51,935,605, A>G on the plus strand (T>C on the coding strand, the complement: ATP7B is on the minus strand). VCF-style: chr13-51935605-A-G. GRCh37 (hg19) VCF-style: chr13-52509741-A-G.
Other names: c.3491T>C, p.Leu1164Pro (NM_001005918.3); c.3779T>C, p.Leu1260Pro (NM_001243182.2); c.3878T>C, p.Leu1293Pro (NM_001330578.2); c.3860T>C, p.Leu1287Pro (NM_001330579.2); c.4112T>C (NM_000053.3); short protein forms L1164P, L1260P, L1287P, L1293P, L1371P.
Identifiers: ClinVar variation 928973 (VCV000928973.15), dbSNP rs1444841250, ClinGen allele CA388019987.